The following is an entry in ClinVar:

NM_199355.4(ADAMTS18):c.2500C>T (p.Pro834Ser)

Gene: ADAMTS18 (ADAM metallopeptidase with thrombospondin type 1 motif 18; minus strand). Cytogenetic location: 16q23.1.
Variant type: single nucleotide variant.
Coding change: c.2500C>T on transcript NM_199355.4 (MANE Select); coding-DNA position 2500, C replaced by T.
Protein change: p.Pro834Ser; replaces proline 834 with serine.
Molecular consequence: missense variant.
Genome position (GRCh38, 1-based): chr16:77,319,881, G>A on the plus strand (C>T on the coding strand, the complement: ADAMTS18 is on the minus strand). VCF-style: chr16-77319881-G-A. GRCh37 (hg19) VCF-style: chr16-77353778-G-A.
Other names: c.2500C>T (NM_199355.2); c.1984C>T, p.Pro662Ser (NM_001326358.2); short protein forms P662S, P834S.
Identifiers: ClinVar variation 779018 (VCV000779018.36), dbSNP rs139553755, ClinGen allele CA8180885.
Genomic context (GRCh38, chr16:77,319,881, plus strand): 5'-GAGAACTGAATACACAGAAGGGGCTTACTTCAAAGACCAGCGTCTCATTTGTGGGCCCTG[G>A]CGCGTACAGACGTTCCGGGCGGTTGAAAGAGCGCTGGTATTCAAACGTGGTCCCAGCGAA-3'
Protein context (NP_955387.1, residues 824-844): SFNRPERLYA[Pro834Ser]GPTNETLVFE

ClinVar aggregate classification (germline): Conflicting classifications of pathogenicity. Review status: criteria provided, conflicting classifications (1 of 4 stars). 4 submissions from 4 submitters: Uncertain significance (1); Benign (2); Likely benign (1). Last evaluated 2026-02-01.

Conditions:
Inborn genetic diseases. Identifiers: MedGen C0950123, MeSH D030342.

Allele frequency attached by ClinVar (database versions not stated): 1000 Genomes Project 30x 0.00109; 1000 Genomes Project 0.00120; gnomAD 0.00140 and 0.00149; TOPMed 0.00179; ESP Exome Variant Server 0.00192; gnomAD exomes 0.00204 and 0.00208; ExAC 0.00210.

Submissions (4):

Labcorp Genetics (formerly Invitae), Labcorp
Classification: Benign. Last evaluated: 2026-02-01. Review status: criteria provided, single submitter. Criteria: Invitae Variant Classification Sherloc (09022015). Collection method: clinical testing. Allele origin: germline.

CeGaT Center for Human Genetics Tuebingen
Classification: Likely benign. Last evaluated: 2023-01-01. Review status: criteria provided, single submitter. Criteria: CeGaT Center For Human Genetics Tuebingen Variant Classification Criteria Version 2. Collection method: clinical testing. Allele origin: germline. Affected: yes. Observed: 1 variant allele.
Comment: ADAMTS18: BP4, BS2

Ambry Genetics
Classification: Uncertain significance for Inborn genetic diseases. Last evaluated: 2021-11-08. Review status: criteria provided, single submitter. Criteria: Ambry Variant Classification Scheme 2023. Collection method: clinical testing. Allele origin: germline.

Breakthrough Genomics
Classification: Benign. Review status: criteria provided, single submitter. Criteria: ACMG Guidelines, 2015. Collection method: not provided. Allele origin: germline. Inheritance: Autosomal recessive inheritance. Affected: yes.